The following is an entry in ClinVar:

ClinVar aggregate classification (germline): Pathogenic (1 of 4 stars; one submission).

Conditions:
Hyperornithinemia-hyperammonemia-homocitrullinuria syndrome (HHHS). Also called: HHH SYNDROME; Ornithine translocase deficiency. Identifiers: Orphanet 415, MedGen C0268540, MONDO:0009393, OMIM 238970.

Allele frequency attached by ClinVar (database versions not stated): gnomAD 0.00001.
gnomAD v4.1: 1 of 1,613,988 alleles (0.000062%); highest among the groups gnomAD compares: African/African-American, 0.0013%; no homozygotes.

Submission:

Labcorp Genetics (formerly Invitae), Labcorp
Classification: Pathogenic for Hyperornithinemia-hyperammonemia-homocitrullinuria syndrome. Last evaluated: 2018-11-10. Review status: criteria provided, single submitter. Criteria: Invitae Variant Classification Sherloc (09022015). Collection method: clinical testing. Allele origin: germline.
Comment: This sequence change creates a premature translational stop signal (p.Ser174*) in the SLC25A15 gene. It is expected to result in an absent or disrupted protein product. For these reasons, this variant has been classified as Pathogenic. Loss-of-function variants in SLC25A15 are known to be pathogenic (PMID: 11552031, 19242930). This variant has not been reported in the literature in individuals with SLC25A15-related disease. This variant is not present in population databases (ExAC no frequency).

Literature cited by the submitters: PubMed 11552031; PubMed 19242930.

NM_014252.4(SLC25A15):c.521C>A (p.Ser174Ter)

Gene: SLC25A15 (solute carrier family 25 member 15; plus strand). Cytogenetic location: 13q14.11.
Variant type: single nucleotide variant.
Coding change: c.521C>A on transcript NM_014252.4 (MANE Select); coding-DNA position 521, C replaced by A.
Protein change: p.Ser174Ter; replaces serine 174 with a stop codon.
Molecular consequence: nonsense.
Genome position (GRCh38, 1-based): chr13:40,807,362, C>A. VCF-style: chr13-40807362-C-A. GRCh37 (hg19) VCF-style: chr13-41381498-C-A.
Other names: short protein forms S174*.
Identifiers: ClinVar variation 650947 (VCV000650947.6), dbSNP rs200873328, ClinGen allele CA387918261.